The following is an entry in ClinVar:

ClinVar aggregate classification (germline): Uncertain significance (1 of 4 stars; one submission).

Conditions:
Autosomal dominant nonsyndromic hearing loss 65. Also called: Deafness, autosomal dominant 65; TBC1D24-Related Autosomal Dominant Nonsyndromic Hearing Loss (DFNA). Identifiers: Orphanet 90635, MedGen C3892048, MONDO:0014470, OMIM 616044.
Developmental and epileptic encephalopathy, 1 (DEE1). Also called: INFANTILE SPASM SYNDROME, X-LINKED 1; X-linked infantile spasms; West's syndrome; Tonic spasms with clustering, arrest of psychomotor development and hypsarrhythmia on EEG; X-Linked Infantile Spasm Syndrome; OHTAHARA SYNDROME, X-LINKED. Identifiers: MedGen C3463992, MONDO:0010632, OMIM 308350. Disease mechanism: loss of function.

Submission:

Labcorp Genetics (formerly Invitae), Labcorp
Classification: Uncertain significance for Developmental and epileptic encephalopathy, 1; Autosomal dominant nonsyndromic hearing loss 65. Last evaluated: 2022-12-27. Review status: criteria provided, single submitter. Criteria: Invitae Variant Classification Sherloc (09022015). Collection method: clinical testing. Allele origin: germline.
Comment: In summary, the available evidence is currently insufficient to determine the role of this variant in disease. Therefore, it has been classified as a Variant of Uncertain Significance. Advanced modeling of protein sequence and biophysical properties (such as structural, functional, and spatial information, amino acid conservation, physicochemical variation, residue mobility, and thermodynamic stability) performed at Invitae indicates that this missense variant is not expected to disrupt TBC1D24 protein function. This variant has not been reported in the literature in individuals affected with TBC1D24-related conditions. This variant is not present in population databases (gnomAD no frequency). This sequence change replaces arginine, which is basic and polar, with proline, which is neutral and non-polar, at codon 60 of the TBC1D24 protein (p.Arg60Pro).

NM_001199107.2(TBC1D24):c.179G>C (p.Arg60Pro)

Gene: TBC1D24 (TBC1 domain family member 24; plus strand). Cytogenetic location: 16p13.3.
Variant type: single nucleotide variant.
Coding change: c.179G>C on transcript NM_001199107.2 (MANE Select); coding-DNA position 179, G replaced by C.
Protein change: p.Arg60Pro; replaces arginine 60 with proline.
Molecular consequence: missense variant.
Genome position (GRCh38, 1-based): chr16:2,496,327, G>C. VCF-style: chr16-2496327-G-C. GRCh37 (hg19) VCF-style: chr16-2546328-G-C.
Other names: c.179G>C, p.Arg60Pro (NM_020705.3); short protein forms R60P.
Identifiers: ClinVar variation 2942739 (VCV002942739.3), dbSNP rs200226466, ClinGen allele CA7843942.